The following is an entry in ClinVar:

NM_000404.4(GLB1):c.694dup (p.Ala232fs)

Gene: GLB1 (galactosidase beta 1; minus strand). Cytogenetic location: 3p22.3.
Variant type: Duplication.
Coding change: c.694dup on transcript NM_000404.4 (MANE Select); coding-DNA position 694, one base duplicated (G; older notation c.694dupG).
Protein change: p.Ala232fs; shifts the reading frame from alanine 232.
Molecular consequence: frameshift variant. On other transcripts: intron variant (1).
Genome position (GRCh38, 1-based): chr3:33,058,128, C duplicated on the plus strand (G on the coding strand, the reverse complement: GLB1 is on the minus strand); the first of 4 consecutive C bases (chr3:33,058,128-33,058,131); duplicating any one gives the same sequence. VCF-style (leftmost placement, unchanged base first): chr3-33058127-G-GC. GRCh37 (hg19) VCF-style: chr3-33099619-G-GC.
Other names: c.694dup (NM_000404.2, NM_000404.3); c.604dup, p.Ala202fs (NM_001079811.3); c.838dup, p.Ala280fs (NM_001317040.2); c.694dup, p.Ala232fs (NM_001393580.1); c.341-4579dup (NM_001135602.3); short protein forms A280fs, A202fs, A232fs.
Identifiers: ClinVar variation 552535 (VCV000552535.10), dbSNP rs1553611025, ClinGen allele CA658821733.

ClinVar aggregate classification (germline): Pathogenic/Likely pathogenic. Review status: criteria provided, multiple submitters, no conflicts (2 of 4 stars). 3 submissions from 3 submitters: Pathogenic (1); Likely pathogenic (1). 1 of the submissions does not count toward it. Last evaluated 2025-10-02.

Conditions:
GM1 gangliosidosis type 3. Also called: GANGLIOSIDOSIS, GENERALIZED GM1, ADULT TYPE; GANGLIOSIDOSIS, GENERALIZED GM1, CHRONIC TYPE; GANGLIOSIDOSIS, GENERALIZED GM1, TYPE III; GM1-GANGLIOSIDOSIS, TYPE III; Beta-galactosidase deficiency; Adult GM1 gangliosidosis. Identifiers: Orphanet 79257, MedGen C0268273, MONDO:0009262, OMIM 230650.
GM1 gangliosidosis type 2. Also called: GANGLIOSIDOSIS, GENERALIZED GM1, JUVENILE TYPE; GANGLIOSIDOSIS, GENERALIZED GM1, TYPE II; GM1-GANGLIOSIDOSIS, TYPE II; Juvenile GM>1< gangliosidosis; Gangliosidosis, Generalized GM1, Type 2. Identifiers: Orphanet 354, Orphanet 79256, MedGen C0268272, MONDO:0009261, OMIM 230600.
Infantile GM1 gangliosidosis. Also called: GM1 gangliosidosis type 1; GM1-gangliosidosis, type I; Gangliosidosis, generalized GM1, infantile form; GLB1 deficiency; Gangliosidosis, Generalized GM1, Type 1. Identifiers: Orphanet 354, Orphanet 79255, MedGen C0268271, MONDO:0009260, OMIM 230500.
Mucopolysaccharidosis, MPS-IV-B (MPS4B). Also called: Mucopolysaccharidosis type 4B; Mucopolysaccharidosis Type IVB (Morquio B Disease); MORQUIO SYNDROME B; Mucopolysaccharidosis type IVB (Morquio); MPS IVB; Mucopolysaccharidosis type IV B. Identifiers: Orphanet 309310, Orphanet 582, MedGen C0086652, MONDO:0009660, OMIM 253010.
GM1 gangliosidosis. Identifiers: Orphanet 354, MedGen C0085131, MONDO:0018149.

Submissions (3):

Labcorp Genetics (formerly Invitae), Labcorp
Classification: Pathogenic for Mucopolysaccharidosis, MPS-IV-B; GM1 gangliosidosis. Last evaluated: 2025-10-02. Review status: criteria provided, single submitter. Criteria: Invitae Variant Classification Sherloc (09022015). Collection method: clinical testing. Allele origin: germline.
Comment: This sequence change creates a premature translational stop signal (p.Ala232Glyfs*28) in the GLB1 gene. It is expected to result in an absent or disrupted protein product. Loss-of-function variants in GLB1 are known to be pathogenic (PMID: 18524657). This variant is not present in population databases (gnomAD no frequency). This variant has not been reported in the literature in individuals affected with GLB1-related conditions. ClinVar contains an entry for this variant (Variation ID: 552535). For these reasons, this variant has been classified as Pathogenic.

Natera, Inc.
Classification: Likely pathogenic for Mucopolysaccharidosis, MPS-IV-B. Last evaluated: 2025-05-21. Review status: criteria provided, single submitter. Criteria: Natera Variant Classification Schema (03/2026). Collection method: clinical testing. Allele origin: germline.
Comment: The c.694dup variant in GLB1 is a frameshift variant predicted to shift the reading frame beginning at codon 232 and leads to a stop codon 28 codons downstream. This variant is expected to result in nonsense mediated decay, truncation, or a dysfunctional protein product. This variant is rare in the general population with a frequency below the threshold expected for the associated phenotype(s). Given the available evidence, this variant is classified as Likely Pathogenic.

Counsyl
Classification: Likely pathogenic for Infantile GM1 gangliosidosis; GM1 gangliosidosis type 2; GM1 gangliosidosis type 3; Mucopolysaccharidosis, MPS-IV-B. Last evaluated: 2017-06-14. Review status: no assertion criteria provided. Collection method: clinical testing. Allele origin: unknown. Not counted in ClinVar's aggregate classification.

Literature cited by the submitters: PubMed 18524657 (cited by Labcorp Genetics (formerly Invitae), Labcorp).